The following is an entry in ClinVar:

ClinVar aggregate classification (germline): Uncertain significance (1 of 4 stars; one submission).

Submission:

Labcorp Genetics (formerly Invitae), Labcorp
Classification: Uncertain significance. Last evaluated: 2022-12-03. Review status: criteria provided, single submitter. Criteria: Invitae Variant Classification Sherloc (09022015). Collection method: clinical testing. Allele origin: germline.
Comment: This sequence change replaces lysine, which is basic and polar, with asparagine, which is neutral and polar, at codon 2576 of the FLNB protein (p.Lys2576Asn). This variant is not present in population databases (gnomAD no frequency). This variant has not been reported in the literature in individuals affected with FLNB-related conditions. Advanced modeling of protein sequence and biophysical properties (such as structural, functional, and spatial information, amino acid conservation, physicochemical variation, residue mobility, and thermodynamic stability) performed at Invitae indicates that this missense variant is not expected to disrupt FLNB protein function. In summary, the available evidence is currently insufficient to determine the role of this variant in disease. Therefore, it has been classified as a Variant of Uncertain Significance.

NM_001457.4(FLNB):c.7728G>C (p.Lys2576Asn)

Gene: FLNB (filamin B; plus strand). Cytogenetic location: 3p14.3.
Variant type: single nucleotide variant.
Coding change: c.7728G>C on transcript NM_001457.4 (MANE Select); coding-DNA position 7728, G replaced by C.
Protein change: p.Lys2576Asn; replaces lysine 2576 with asparagine.
Molecular consequence: missense variant.
Genome position (GRCh38, 1-based): chr3:58,170,681, G>C. VCF-style: chr3-58170681-G-C. GRCh37 (hg19) VCF-style: chr3-58156408-G-C.
Other names: c.7821G>C, p.Lys2607Asn (NM_001164317.2); c.7695G>C, p.Lys2565Asn (NM_001164318.2); c.7656G>C, p.Lys2552Asn (NM_001164319.2); short protein forms K2607N, K2552N, K2576N, K2565N.
Identifiers: ClinVar variation 2818114 (VCV002818114.3), dbSNP rs2471282368, ClinGen allele CA353336292.
Genomic context (GRCh38, chr3:58,170,681, plus strand): 5'-CGAGGAGGTCTCCATGAAGCATGTAGGCAACCAGCAATACAACGTCACATACGTCGTCAA[G>C]GAGAGGGGCGATTATGTGCTGGCTGTGAAGTGGGGGGAGGAACACATCCCTGGCAGCCCT-3'
Protein context (NP_001448.2, residues 2566-2586): NQQYNVTYVV[Lys2576Asn]ERGDYVLAVK